The following is an entry in ClinVar:

ClinVar aggregate classification (germline): Uncertain significance (1 of 4 stars; one submission).

Submission:

Labcorp Genetics (formerly Invitae), Labcorp
Classification: Uncertain significance. Last evaluated: 2022-03-20. Review status: criteria provided, single submitter. Criteria: Invitae Variant Classification Sherloc (09022015). Collection method: clinical testing. Allele origin: germline.
Comment: In summary, the available evidence is currently insufficient to determine the role of this variant in disease. Therefore, it has been classified as a Variant of Uncertain Significance. Algorithms developed to predict the effect of missense changes on protein structure and function are either unavailable or do not agree on the potential impact of this missense change (SIFT: "Tolerated"; PolyPhen-2: "Not Available"; Align-GVGD: "Class C0"). This variant has not been reported in the literature in individuals affected with KMT2B-related conditions. This variant is not present in population databases (gnomAD no frequency). This sequence change replaces arginine, which is basic and polar, with glycine, which is neutral and non-polar, at codon 209 of the KMT2B protein (p.Arg209Gly).

NM_014727.3(KMT2B):c.625C>G (p.Arg209Gly)

Gene: KMT2B (lysine methyltransferase 2B; plus strand). Cytogenetic location: 19q13.12.
Variant type: single nucleotide variant.
Coding change: c.625C>G on transcript NM_014727.3 (MANE Select); coding-DNA position 625, C replaced by G.
Protein change: p.Arg209Gly; replaces arginine 209 with glycine.
Molecular consequence: missense variant.
Genome position (GRCh38, 1-based): chr19:35,719,972, C>G. VCF-style: chr19-35719972-C-G. GRCh37 (hg19) VCF-style: chr19-36210874-C-G.
Other names: short protein forms R209G.
Identifiers: ClinVar variation 2115446 (VCV002115446.4), dbSNP rs1002774016, ClinGen allele CA405379664.